The following is an entry in ClinVar:

NM_000303.3(PMM2):c.350G>A (p.Gly117Asp)

Gene: PMM2 (phosphomannomutase 2; plus strand). Cytogenetic location: 16p13.2.
Variant type: single nucleotide variant.
Coding change: c.350G>A on transcript NM_000303.3 (MANE Select); coding-DNA position 350, G replaced by A.
Protein change: p.Gly117Asp; replaces glycine 117 with aspartic acid.
Molecular consequence: missense variant.
Genome position (GRCh38, 1-based): chr16:8,811,081, G>A. VCF-style: chr16-8811081-G-A. GRCh37 (hg19) VCF-style: chr16-8904938-G-A.
Other names: short protein forms G117D.
Identifiers: ClinVar variation 5003320 (VCV005003320.1).

ClinVar aggregate classification (germline): Uncertain significance (1 of 4 stars; one submission).

Conditions:
PMM2-congenital disorder of glycosylation. Also called: Congenital disorder of glycosylation, type Ia; PHOSPHOMANNOMUTASE 2 DEFICIENCY; CARBOHYDRATE-DEFICIENT GLYCOPROTEIN SYNDROME, TYPE Ia; CDG Ia; JAEKEN SYNDROME; PMM2-CDG. Identifiers: Orphanet 79318, MedGen C0349653, MONDO:0008907, OMIM 212065.

Submission:

Myriad Genetics, Inc.
Classification: Uncertain significance for PMM2-congenital disorder of glycosylation. Last evaluated: 2025-12-03. Review status: criteria provided, single submitter. Criteria: Myriad Autosomal Dominant, Autosomal Recessive and X-Linked Classification Criteria (2023). Collection method: clinical testing. Allele origin: unknown.
Comment: NM_000303.2(PMM2):c.350G>A(G117D) is a missense variant classified as a variant of uncertain significance in the context of congenital disorder of glycosylation, PMM2-related. G117D has not been observed in cases with relevant disease. Relevant functional assessments of this variant are not available in the literature. G117D has not been observed in referenced population frequency databases. In summary, there is insufficient evidence to classify NM_000303.2(PMM2):c.350G>A(G117D) as pathogenic or benign. Please note: this variant was assessed in the context of healthy population screening.